The following is an entry in ClinVar:

ClinVar aggregate classification (germline): Uncertain significance (1 of 4 stars; one submission).

Submission:

Labcorp Genetics (formerly Invitae), Labcorp
Classification: Uncertain significance. Last evaluated: 2021-07-13. Review status: criteria provided, single submitter. Criteria: Invitae Variant Classification Sherloc (09022015). Collection method: clinical testing. Allele origin: germline.
Comment: In summary, the available evidence is currently insufficient to determine the role of this variant in disease. Therefore, it has been classified as a Variant of Uncertain Significance. Algorithms developed to predict the effect of missense changes on protein structure and function are either unavailable or do not agree on the potential impact of this missense change (SIFT: "Deleterious"; PolyPhen-2: "Benign"; Align-GVGD: "Class C15"). This variant has not been reported in the literature in individuals with POLA1-related conditions. This variant is not present in population databases (ExAC no frequency). This sequence change replaces glycine with valine at codon 157 of the POLA1 protein (p.Gly157Val). The glycine residue is weakly conserved and there is a moderate physicochemical difference between glycine and valine.

NM_001330360.2(POLA1):c.488G>T (p.Gly163Val)

Gene: POLA1 (DNA polymerase alpha 1, catalytic subunit; plus strand). Cytogenetic location: Xp22.11.
Variant type: single nucleotide variant.
Coding change: c.488G>T on transcript NM_001330360.2 (MANE Select); coding-DNA position 488, G replaced by T.
Protein change: p.Gly163Val; replaces glycine 163 with valine.
Molecular consequence: missense variant. On other transcripts: non-coding transcript variant (2).
Genome position (GRCh38, 1-based): chrX:24,715,166, G>T. VCF-style: chrX-24715166-G-T. GRCh37 (hg19) VCF-style: chrX-24733283-G-T.
Other names: c.488G>T, p.Gly163Val (NM_001378303.1); c.470G>T, p.Gly157Val (NM_016937.4); short protein forms G157V, G163V.
Identifiers: ClinVar variation 1482111 (VCV001482111.8), dbSNP rs2148341903, ClinGen allele CA412527627.